The following is an entry in ClinVar:

ClinVar aggregate classification (germline): Conflicting classifications of pathogenicity. Review status: criteria provided, conflicting classifications (1 of 4 stars). 3 submissions from 3 submitters: Uncertain significance (1); Benign (1); Likely benign (1). Last evaluated 2024-02-01.

Conditions:
Inborn genetic diseases. Identifiers: MedGen C0950123, MeSH D030342.
MAPT-Related Spectrum Disorders.

Allele frequency attached by ClinVar (database versions not stated): gnomAD 0.00001 and 0.00002; TOPMed 0.00001; 1000 Genomes Project 30x 0.00016; 1000 Genomes Project 0.00020.
gnomAD v4.1: 11 of 1,614,218 alleles (0.00068%); highest among the groups gnomAD compares: East Asian, 0.022%; no homozygotes.

Submissions (3):

CeGaT Center for Human Genetics Tuebingen
Classification: Likely benign. Last evaluated: 2024-02-01. Review status: criteria provided, single submitter. Criteria: CeGaT Center For Human Genetics Tuebingen Variant Classification Criteria Version 2. Collection method: clinical testing. Allele origin: germline. Affected: yes. Observed: 1 variant allele.
Comment: MAPT: BP4

Ambry Genetics
Classification: Uncertain significance for Inborn genetic diseases. Last evaluated: 2023-12-21. Review status: criteria provided, single submitter. Criteria: Ambry Variant Classification Scheme 2023. Collection method: clinical testing. Allele origin: germline.

Illumina Laboratory Services, Illumina
Classification: Benign for MAPT-Related Spectrum Disorders. Last evaluated: 2018-01-13. Review status: criteria provided, single submitter. Criteria: ICSL Variant Classification Criteria 13 December 2019. Collection method: clinical testing. Allele origin: germline.
Comment: This variant was observed in the ICSL laboratory as part of a predisposition screen in an ostensibly healthy population. It had not been previously curated by ICSL or reported in the Human Gene Mutation Database (HGMD: prior to June 1st, 2018), and was therefore a candidate for classification through an automated scoring system. Utilizing variant allele frequency, disease prevalence and penetrance estimates, and inheritance mode, an automated score was calculated to assess if this variant is too frequent to cause the disease. Based on the score and internal cut-off values, a variant classified as benign is not then subjected to further curation. The score for this variant resulted in a classification of benign for this disease.

NM_001377265.1(MAPT):c.1670A>G (p.Gln557Arg)

Gene: MAPT (microtubule associated protein tau). Cytogenetic location: 17q21.31.
Variant type: single nucleotide variant.
Coding change: c.1670A>G on transcript NM_001377265.1 (MANE Select); coding-DNA position 1670, A replaced by G.
Protein change: p.Gln557Arg; replaces glutamine 557 with arginine.
Molecular consequence: missense variant. On other transcripts: non-coding transcript variant (1).
Genome position (GRCh38, 1-based): chr17:45,991,524, A>G. VCF-style: chr17-45991524-A-G. GRCh37 (hg19) VCF-style: chr17-44068890-A-G.
Other names: c.1445A>G, p.Gln482Arg (NM_001123066.4, NM_016835.5); c.407A>G, p.Gln136Arg (NM_001123067.4, NM_001203251.2, NM_001377267.1); c.494A>G, p.Gln165Arg (NM_001203252.2, NM_005910.6); c.1472A>G, p.Gln491Arg (NM_001377266.1); c.320A>G, p.Gln107Arg (NM_001377268.1, NM_016834.5, NM_016841.5); short protein forms Q165R, Q491R, Q136R, Q107R, Q557R, Q482R.
Identifiers: ClinVar variation 891265 (VCV000891265.27), dbSNP rs568067396, ClinGen allele CA8617969.